The following is an entry in ClinVar:

ClinVar aggregate classification (germline): Uncertain significance (1 of 4 stars; one submission).

Conditions:
Hereditary cancer-predisposing syndrome. Also called: Neoplastic Syndromes, Hereditary; Hereditary Cancer Syndrome; Tumor predisposition; Hereditary neoplastic syndrome. Identifiers: Orphanet 140162, MedGen C0027672, MeSH D009386, MONDO:0015356.

gnomAD v4.1: 2 of 1,607,552 alleles (0.00012%); highest among the groups gnomAD compares: South Asian, 0.0022%; no homozygotes.

Submission:

Ambry Genetics
Classification: Uncertain significance for Hereditary cancer-predisposing syndrome. Last evaluated: 2024-12-23. Review status: criteria provided, single submitter. Criteria: Ambry Variant Classification Scheme 2023. Collection method: clinical testing. Allele origin: germline.
Comment: The p.V556L variant (also known as c.1666G>T), located in coding exon 12 of the POLD1 gene, results from a G to T substitution at nucleotide position 1666. The valine at codon 556 is replaced by leucine, an amino acid with highly similar properties. This amino acid position is well conserved in available vertebrate species. In addition, this alteration is predicted to be tolerated by in silico analysis. Based on the available evidence, the clinical significance of this variant remains unclear.

NM_002691.4(POLD1):c.1666G>T (p.Val556Leu)

Gene: POLD1 (DNA polymerase delta 1, catalytic subunit; plus strand). Cytogenetic location: 19q13.33.
Variant type: single nucleotide variant.
Coding change: c.1666G>T on transcript NM_002691.4 (MANE Select); coding-DNA position 1666, G replaced by T.
Protein change: p.Val556Leu; replaces valine 556 with leucine.
Molecular consequence: missense variant. On other transcripts: non-coding transcript variant (1).
Genome position (GRCh38, 1-based): chr19:50,407,154, G>T. VCF-style: chr19-50407154-G-T. GRCh37 (hg19) VCF-style: chr19-50910411-G-T.
Other names: c.1666G>T, p.Val556Leu (NM_001256849.1, NM_001308632.1); short protein forms V556L.
Identifiers: ClinVar variation 3781366 (VCV003781366.1).